The following is an entry in ClinVar:

ClinVar aggregate classification (germline): Uncertain significance. Review status: criteria provided, multiple submitters, no conflicts (2 of 4 stars). 3 submissions from 3 submitters: Uncertain significance (2). 1 of the submissions does not count toward it. Last evaluated 2024-11-24.

Conditions:
Deficiency of hyaluronoglucosaminidase (MPS9). Also called: Mucopolysaccharidosis type 9; HYALURONIDASE DEFICIENCY; MPS IX. Identifiers: Orphanet 67041, MedGen C1291490, MONDO:0011093, OMIM 601492.

Allele frequency attached by ClinVar (database versions not stated): gnomAD 0.00006 and 0.00005; gnomAD exomes 0.00002 and 0.00003; TOPMed 0.00004; ExAC 0.00002.

Submissions (3):

Ambry Genetics
Classification: Uncertain significance. Last evaluated: 2024-11-24. Review status: criteria provided, single submitter. Criteria: Ambry Variant Classification Scheme 2023. Collection method: clinical testing. Allele origin: germline.

Labcorp Genetics (formerly Invitae), Labcorp
Classification: Uncertain significance for Deficiency of hyaluronoglucosaminidase. Last evaluated: 2022-07-12. Review status: criteria provided, single submitter. Criteria: Invitae Variant Classification Sherloc (09022015). Collection method: clinical testing. Allele origin: germline.
Comment: This sequence change replaces arginine, which is basic and polar, with histidine, which is basic and polar, at codon 196 of the HYAL1 protein (p.Arg196His). This variant is present in population databases (rs782200654, gnomAD 0.02%). This variant has not been reported in the literature in individuals affected with HYAL1-related conditions. ClinVar contains an entry for this variant (Variation ID: 991893). Algorithms developed to predict the effect of missense changes on protein structure and function output the following: SIFT: "Tolerated"; PolyPhen-2: "Benign"; Align-GVGD: "Class C0". The histidine amino acid residue is found in multiple mammalian species, which suggests that this missense change does not adversely affect protein function. In summary, the available evidence is currently insufficient to determine the role of this variant in disease. Therefore, it has been classified as a Variant of Uncertain Significance.

Natera, Inc.
Classification: Uncertain significance for Mucopolysaccharidosis type IX. Last evaluated: 2020-07-15. Review status: no assertion criteria provided. Collection method: clinical testing. Allele origin: germline. Not counted in ClinVar's aggregate classification.

NM_033159.4(HYAL1):c.587G>A (p.Arg196His)

Gene: HYAL1 (hyaluronidase 1; minus strand). Cytogenetic location: 3p21.31.
Variant type: single nucleotide variant.
Coding change: c.587G>A on transcript NM_033159.4 (MANE Select); coding-DNA position 587, G replaced by A.
Protein change: p.Arg196His; replaces arginine 196 with histidine.
Molecular consequence: missense variant. On other transcripts: non-coding transcript variant (1), intron variant (1).
Genome position (GRCh38, 1-based): chr3:50,302,370, C>T on the plus strand (G>A on the coding strand, the complement: HYAL1 is on the minus strand). VCF-style: chr3-50302370-C-T. GRCh37 (hg19) VCF-style: chr3-50339801-C-T.
Other names: c.587G>A, p.Arg196His (NM_153281.2, NM_153282.3); c.41G>A, p.Arg14His (NM_153283.3); c.-26-165G>A (NM_153285.3); short protein forms R14H, R196H.
Identifiers: ClinVar variation 991893 (VCV000991893.4), dbSNP rs782200654, ClinGen allele CA2415911.